The following is an entry in ClinVar:

NM_174936.4(PCSK9):c.186C>T (p.Ala62=)

Gene: PCSK9 (proprotein convertase subtilisin/kexin type 9; plus strand). Cytogenetic location: 1p32.3.
Variant type: single nucleotide variant.
Coding change: c.186C>T on transcript NM_174936.4 (MANE Select); coding-DNA position 186, C replaced by T.
Protein change: p.Ala62=; no amino-acid change (alanine 62 retained).
Molecular consequence: synonymous variant.
Genome position (GRCh38, 1-based): chr1:55,040,023, C>T. VCF-style: chr1-55040023-C-T. GRCh37 (hg19) VCF-style: chr1-55505696-C-T.
Identifiers: ClinVar variation 1551504 (VCV001551504.8), dbSNP rs1359899317, ClinGen allele CA417957445.

ClinVar aggregate classification (germline): Likely benign. Review status: criteria provided, multiple submitters, no conflicts (2 of 4 stars). 4 submissions from 4 submitters: Likely benign (4). Last evaluated 2023-12-13.

Conditions:
Hypercholesterolemia, autosomal dominant, 3 (FHCL3). Also called: Familial Hypercholesterolemia, Autosomal Dominant, 3; PCSK9-Related Familial Hypercholesterolemia, Autosomal Dominant; Familial hypercholesterolemia 3. Identifiers: MedGen C1863551, MONDO:0011369, OMIM 603776.
Cardiovascular phenotype. Identifiers: MedGen CN230736.
Familial hypercholesterolemia. Also called: Familial hypercholesterolaemia; Familial hypercholesterolemias. Identifiers: MedGen C0020445, MONDO:0005439.

Allele frequency attached by ClinVar (database versions not stated): TOPMed below 0.00001; gnomAD 0.00001.

Submissions (4):

All of Us Research Program, National Institutes of Health
Classification: Likely benign for Hypercholesterolemia, autosomal dominant, 3. Last evaluated: 2023-12-13. Review status: criteria provided, single submitter. Criteria: ACMG Guidelines, 2015. Collection method: clinical testing. Allele origin: germline. Inheritance: Autosomal dominant inheritance. Observed: 8 variant alleles, 8 heterozygotes.
Comment: This study involves interpretation of variants in research participants for the purpose of population health screening. Participant phenotype was not available at the time of variant classification. Additional details can be found in publication PMID: 35346344, PMCID: PMC8962531

Color Diagnostics, LLC DBA Color Health
Classification: Likely benign for Familial hypercholesterolemia. Last evaluated: 2022-11-06. Review status: criteria provided, single submitter. Criteria: ACMG Guidelines, 2015. Collection method: clinical testing. Allele origin: germline.

Ambry Genetics
Classification: Likely benign for Cardiovascular phenotype. Last evaluated: 2022-09-26. Review status: criteria provided, single submitter. Criteria: Ambry Variant Classification Scheme 2023. Collection method: clinical testing. Allele origin: germline.

Labcorp Genetics (formerly Invitae), Labcorp
Classification: Likely benign for Hypercholesterolemia, autosomal dominant, 3. Last evaluated: 2021-03-31. Review status: criteria provided, single submitter. Criteria: Invitae Variant Classification Sherloc (09022015). Collection method: clinical testing. Allele origin: germline.